The following is an entry in ClinVar:

NM_005647.4(TBL1X):c.184C>T (p.Leu62=)

Gene: TBL1X (transducin beta like 1 X-linked; plus strand). Cytogenetic location: Xp22.2.
Variant type: single nucleotide variant.
Coding change: c.184C>T on transcript NM_005647.4 (MANE Select); coding-DNA position 184, C replaced by T.
Protein change: p.Leu62=; no amino-acid change (leucine 62 retained).
Molecular consequence: synonymous variant.
Genome position (GRCh38, 1-based): chrX:9,654,295, C>T. VCF-style: chrX-9654295-C-T. GRCh37 (hg19) VCF-style: chrX-9622335-C-T.
Other names: c.184C>T, p.Leu62= (NM_001139466.1); c.31C>T, p.Leu11= (NM_001139467.1, NM_001139468.1).
Identifiers: ClinVar variation 4850822 (VCV004850822.1).

ClinVar aggregate classification (germline): Uncertain significance (1 of 4 stars; one submission).

Submission:

Greenwood Genetic Center Diagnostic Laboratories, Greenwood Genetic Center
Classification: Uncertain significance. Last evaluated: 2025-02-28. Review status: criteria provided, single submitter. Criteria: ACMG Guidelines, 2015. Collection method: clinical testing. Allele origin: germline.
Comment: PM2